The following is an entry in ClinVar:

ClinVar aggregate classification (germline): Uncertain significance. Review status: criteria provided, multiple submitters, no conflicts (2 of 4 stars). 2 submissions from 2 submitters: Uncertain significance (2). Last evaluated 2024-11-27.

Conditions:
Renal cell carcinoma. Identifiers: Orphanet 217071, MedGen C0007134, MeSH D002292, MONDO:0005086, HP:0005584.
Hereditary cancer-predisposing syndrome. Also called: Tumor predisposition; Hereditary Cancer Syndrome; Hereditary neoplastic syndrome; Neoplastic Syndromes, Hereditary. Identifiers: Orphanet 140162, MedGen C0027672, MeSH D009386, MONDO:0015356.

Submissions (2):

Labcorp Genetics (formerly Invitae), Labcorp
Classification: Uncertain significance for Renal cell carcinoma. Last evaluated: 2024-11-27. Review status: criteria provided, single submitter. Criteria: Invitae Variant Classification Sherloc (09022015). Collection method: clinical testing. Allele origin: germline.
Comment: This sequence change replaces leucine, which is neutral and non-polar, with valine, which is neutral and non-polar, at codon 581 of the MET protein (p.Leu581Val). This variant is not present in population databases (gnomAD no frequency). This variant has not been reported in the literature in individuals affected with MET-related conditions. ClinVar contains an entry for this variant (Variation ID: 2814731). Invitae Evidence Modeling of protein sequence and biophysical properties (such as structural, functional, and spatial information, amino acid conservation, physicochemical variation, residue mobility, and thermodynamic stability) indicates that this missense variant is not expected to disrupt MET protein function with a negative predictive value of 80%. In summary, the available evidence is currently insufficient to determine the role of this variant in disease. Therefore, it has been classified as a Variant of Uncertain Significance.

Ambry Genetics
Classification: Uncertain significance for Hereditary cancer-predisposing syndrome. Last evaluated: 2022-11-26. Review status: criteria provided, single submitter. Criteria: Ambry Variant Classification Scheme 2023. Collection method: clinical testing. Allele origin: germline.
Comment: The p.L581V variant (also known as c.1741C>G), located in coding exon 5 of the MET gene, results from a C to G substitution at nucleotide position 1741. The leucine at codon 581 is replaced by valine, an amino acid with highly similar properties. This amino acid position is conserved. In addition, the in silico prediction for this alteration is inconclusive. Since supporting evidence is limited at this time, the clinical significance of this alteration remains unclear.

NM_000245.4(MET):c.1741C>G (p.Leu581Val)

Gene: MET (MET proto-oncogene, receptor tyrosine kinase; plus strand). Cytogenetic location: 7q31.2.
Variant type: single nucleotide variant.
Coding change: c.1741C>G on transcript NM_000245.4 (MANE Select); coding-DNA position 1741, C replaced by G.
Protein change: p.Leu581Val; replaces leucine 581 with valine.
Molecular consequence: missense variant.
Genome position (GRCh38, 1-based): chr7:116,755,394, C>G. VCF-style: chr7-116755394-C-G. GRCh37 (hg19) VCF-style: chr7-116395448-C-G.
Other names: c.1741C>G, p.Leu581Val (NM_001127500.3, NM_001324401.3); c.451C>G, p.Leu151Val (NM_001324402.2); short protein forms L151V, L581V.
Identifiers: ClinVar variation 2814731 (VCV002814731.4), dbSNP rs1584939151, ClinGen allele CA368977684.